The following is an entry in ClinVar:

NM_006662.3(SRCAP):c.2743C>A (p.Pro915Thr)

Gene: SRCAP (Snf2 related CREBBP activator protein; plus strand). Cytogenetic location: 16p11.2.
Variant type: single nucleotide variant.
Coding change: c.2743C>A on transcript NM_006662.3 (MANE Select); coding-DNA position 2743, C replaced by A.
Protein change: p.Pro915Thr; replaces proline 915 with threonine.
Molecular consequence: missense variant.
Genome position (GRCh38, 1-based): chr16:30,716,405, C>A. VCF-style: chr16-30716405-C-A. GRCh37 (hg19) VCF-style: chr16-30727726-C-A.
Other names: short protein forms P915T.
Identifiers: ClinVar variation 2500482 (VCV002500482.1), dbSNP rs752848452, ClinGen allele CA395611297.
Genomic context (GRCh38, chr16:30,716,405, plus strand): 5'-ATGCAGCTGAGAAAAGTTTGCAATCATCCAAATCTGTTCGACCCTCGACCGGTTACCTCC[C>A]CTTTCATCACCCCAGGCATCTGCTTCAGCACCGCCTCTCTGGTGCTAAGGGCCACGGATG-3'
Protein context (NP_006653.2, residues 905-925): NLFDPRPVTS[Pro915Thr]FITPGICFST

ClinVar aggregate classification (germline): Uncertain significance (1 of 4 stars; one submission).

Submission:

GeneDx
Classification: Uncertain significance. Last evaluated: 2022-10-31. Review status: criteria provided, single submitter. Criteria: GeneDx Variant Classification Process June 2021. Collection method: clinical testing. Allele origin: germline. Affected: yes.
Comment: Not observed at significant frequency in large population cohorts (gnomAD); In silico analysis supports that this missense variant has a deleterious effect on protein structure/function; Has not been previously published as pathogenic or benign to our knowledge